The following is an entry in ClinVar:

ClinVar aggregate classification (germline): Likely benign. Review status: criteria provided, multiple submitters, no conflicts (2 of 4 stars). 3 submissions from 3 submitters: Likely benign (2). 1 of the submissions does not count toward it. Last evaluated 2025-11-01.

Conditions:
VPS13B-related disorder. Also called: VPS13B-related condition.
Cohen syndrome (COH1). Also called: Cutis verticis gyrata, retinitis pigmentosa, and sensorineural deafness; PEPPER SYNDROME. Identifiers: Orphanet 193, MedGen C0265223, MONDO:0008999, OMIM 216550.

Allele frequency attached by ClinVar (database versions not stated): gnomAD exomes below 0.00001.
gnomAD v4.1: 6 of 1,613,870 alleles (0.00037%); highest among the groups gnomAD compares: Middle Eastern, 0.017%; no homozygotes.

Submissions (3):

CeGaT Center for Human Genetics Tuebingen
Classification: Likely benign. Last evaluated: 2025-11-01. Review status: criteria provided, single submitter. Criteria: CeGaT Center For Human Genetics Tuebingen Variant Classification Criteria Version 2. Collection method: clinical testing. Allele origin: germline. Affected: yes. Observed: 1 variant allele.
Comment: VPS13B: BP4, BP7

Labcorp Genetics (formerly Invitae), Labcorp
Classification: Likely benign for Cohen syndrome. Last evaluated: 2023-11-05. Review status: criteria provided, single submitter. Criteria: Invitae Variant Classification Sherloc (09022015). Collection method: clinical testing. Allele origin: germline.

PreventionGenetics, part of Exact Sciences
Classification: Likely benign for VPS13B-related condition. Last evaluated: 2024-06-28. Review status: no assertion criteria provided. Collection method: clinical testing. Allele origin: germline. Not counted in ClinVar's aggregate classification.
Comment: This variant is classified as likely benign based on ACMG/AMP sequence variant interpretation guidelines (Richards et al. 2015 PMID: 25741868, with internal and published modifications).

NM_152564.5(VPS13B):c.9501A>G (p.Pro3167=)

Gene: VPS13B (vacuolar protein sorting 13 homolog B; plus strand). Cytogenetic location: 8q22.2.
Variant type: single nucleotide variant.
Coding change: c.9501A>G on transcript NM_152564.5 (MANE Select); coding-DNA position 9501, A replaced by G.
Protein change: p.Pro3167=; no amino-acid change (proline 3167 retained).
Molecular consequence: synonymous variant.
Genome position (GRCh38, 1-based): chr8:99,832,539, A>G. VCF-style: chr8-99832539-A-G. GRCh37 (hg19) VCF-style: chr8-100844767-A-G.
Other names: c.9576A>G, p.Pro3192= (NM_017890.5); c.9501A>G (NM_152564.4).
Identifiers: ClinVar variation 1529342 (VCV001529342.15), dbSNP rs1448281466, ClinGen allele CA462457897.